The following is an entry in ClinVar:

ClinVar aggregate classification (germline): Uncertain significance (1 of 4 stars; one submission).

Conditions:
Epilepsy, familial focal, with variable foci 3 (FFEVF3). Identifiers: MedGen C4310708, MONDO:0014925, OMIM 617118.

gnomAD v4.1: 4 of 1,613,598 alleles (0.00025%); highest among the groups gnomAD compares: Non-Finnish European, 0.000085%; no homozygotes.

Submission:

Labcorp Genetics (formerly Invitae), Labcorp
Classification: Uncertain significance for Epilepsy, familial focal, with variable foci 3. Last evaluated: 2025-04-14. Review status: criteria provided, single submitter. Criteria: Invitae Variant Classification Sherloc (09022015). Collection method: clinical testing. Allele origin: germline.
Comment: This sequence change replaces alanine, which is neutral and non-polar, with threonine, which is neutral and polar, at codon 497 of the NPRL3 protein (p.Ala497Thr). The frequency data for this variant in the population databases is considered unreliable, as metrics indicate poor data quality at this position in the gnomAD database. This variant has not been reported in the literature in individuals affected with NPRL3-related conditions. ClinVar contains an entry for this variant (Variation ID: 3625981). Invitae Evidence Modeling of protein sequence and biophysical properties (such as structural, functional, and spatial information, amino acid conservation, physicochemical variation, residue mobility, and thermodynamic stability) indicates that this missense variant is not expected to disrupt NPRL3 protein function with a negative predictive value of 80%. In summary, the available evidence is currently insufficient to determine the role of this variant in disease. Therefore, it has been classified as a Variant of Uncertain Significance.

NM_001077350.3(NPRL3):c.1489G>A (p.Ala497Thr)

Genes: HBA-LCR (alpha-globin locus control region; plus strand), NPRL3 (NPR3 like, GATOR1 complex subunit; minus strand). Cytogenetic location: 16p13.3.
Variant type: single nucleotide variant.
Coding change: c.1489G>A on transcript NM_001077350.3 (MANE Select); coding-DNA position 1489, G replaced by A.
Protein change: p.Ala497Thr; replaces alanine 497 with threonine.
Molecular consequence: missense variant.
Genome position (GRCh38, 1-based): chr16:88,753, C>T on the plus strand (G>A on the coding strand, the complement: NPRL3 is on the minus strand). VCF-style: chr16-88753-C-T. GRCh37 (hg19) VCF-style: chr16-138752-C-T.
Other names: c.952G>A, p.Ala318Thr (NM_001039476.3); c.1255G>A, p.Ala419Thr (NM_001243247.2); c.1414G>A, p.Ala472Thr (NM_001243248.2, NM_001243249.2); short protein forms A318T, A419T, A472T, A497T.
Identifiers: ClinVar variation 3625981 (VCV003625981.2).